The following is an entry in ClinVar:

ClinVar aggregate classification (germline): Uncertain significance (1 of 4 stars; one submission).

Submission:

Women's Health and Genetics/Laboratory Corporation of America, LabCorp
Classification: Uncertain significance. Last evaluated: 2024-11-11. Review status: criteria provided, single submitter. Criteria: LabCorp Variant Classification Summary - May 2015. Collection method: clinical testing. Allele origin: germline.
Comment: Variant summary: The variant involves the deletion of exons 3-4 in the COL5A2 gene. This Copy Number Variant (CNV) is expected to alter the reading frame and predicted to result in a truncation or absence of the encoded protein due to nonsense mediated decay (NMD). A presumed nomenclature of c.(322+1_323-1)_(369+1_370-1)del has been designated for the purposes of this classification. Current evidence is not sufficient to establish loss of function as a mechanism for disease. The variant was absent in 21694 control chromosomes. The available data on variant occurrences in the general population are insufficient to allow any conclusion about variant significance. To our knowledge, no occurrence of c.(322+1_323-1)_(369+1_370-1)del in individuals affected with Ehlers-Danlos Syndrome and no experimental evidence demonstrating its impact on protein function have been reported. No submitters have cited clinical-significance assessments for this variant to ClinVar. Based on the evidence outlined above, the variant was classified as uncertain significance.

NC_000002.11:g.(189963486_189964832)_(189969004_189974950)del

Gene: COL5A2 (collagen type V alpha 2 chain; minus strand). Cytogenetic location: 2q32.2.
Variant type: Deletion.
Identifiers: ClinVar variation 3629731 (VCV003629731.1).